The following is an entry in ClinVar:

NM_005236.3(ERCC4):c.934T>G (p.Ser312Ala)

Gene: ERCC4 (ERCC excision repair 4, endonuclease catalytic subunit; plus strand). Cytogenetic location: 16p13.12.
Variant type: single nucleotide variant.
Coding change: c.934T>G on transcript NM_005236.3 (MANE Select); coding-DNA position 934, T replaced by G.
Protein change: p.Ser312Ala; replaces serine 312 with alanine.
Molecular consequence: missense variant.
Genome position (GRCh38, 1-based): chr16:13,930,851, T>G. VCF-style: chr16-13930851-T-G. GRCh37 (hg19) VCF-style: chr16-14024708-T-G.
Other names: short protein forms S312A.
Identifiers: ClinVar variation 864133 (VCV000864133.11), dbSNP rs200596978, ClinGen allele CA7910307.

ClinVar aggregate classification (germline): Uncertain significance. Review status: criteria provided, multiple submitters, no conflicts (2 of 4 stars). 3 submissions from 3 submitters: Uncertain significance (3). Last evaluated 2025-11-27.

Conditions:
Cockayne syndrome. Identifiers: Orphanet 191, MedGen C0009207, MONDO:0016006.
Xeroderma pigmentosum, group F (XPF). Also called: XERODERMA PIGMENTOSUM, COMPLEMENTATION GROUP F; XERODERMA PIGMENTOSUM VI; XP, GROUP F; XERODERMA PIGMENTOSUM, TYPE F; Xeroderma pigmentosum, type 6; ERCC4-Related Xeroderma Pigmentosum. Identifiers: MedGen C0268140, MONDO:0010215, OMIM 278760.
Fanconi anemia complementation group Q. Identifiers: Orphanet 84, MedGen C3808988, MONDO:0014108, OMIM 615272.
XFE progeroid syndrome (XFEPS). Also called: XPF-ERCC1 PROGEROID SYNDROME. Identifiers: MedGen C1970416, MONDO:0012590, OMIM 610965.

Allele frequency attached by ClinVar (database versions not stated): ExAC 0.00003; gnomAD 0.00003; gnomAD exomes 0.00003 and 0.00008; ESP Exome Variant Server 0.00015; TOPMed 0.00004.

Submissions (3):

Labcorp Genetics (formerly Invitae), Labcorp
Classification: Uncertain significance for Fanconi anemia complementation group Q; Xeroderma pigmentosum, group F; Cockayne syndrome. Last evaluated: 2025-11-27. Review status: criteria provided, single submitter. Criteria: Invitae Variant Classification Sherloc (09022015). Collection method: clinical testing. Allele origin: germline.
Comment: This sequence change replaces serine, which is neutral and polar, with alanine, which is neutral and non-polar, at codon 312 of the ERCC4 protein (p.Ser312Ala). This variant is present in population databases (rs200596978, gnomAD 0.007%). This variant has not been reported in the literature in individuals affected with ERCC4-related conditions. ClinVar contains an entry for this variant (Variation ID: 864133). Invitae Evidence Modeling of protein sequence and biophysical properties (such as structural, functional, and spatial information, amino acid conservation, physicochemical variation, residue mobility, and thermodynamic stability) indicates that this missense variant is not expected to disrupt ERCC4 protein function with a negative predictive value of 80%. In summary, the available evidence is currently insufficient to determine the role of this variant in disease. Therefore, it has been classified as a Variant of Uncertain Significance.

GeneDx
Classification: Uncertain significance. Last evaluated: 2024-12-09. Review status: criteria provided, single submitter. Criteria: GeneDx Variant Classification Process June 2021. Collection method: clinical testing. Allele origin: germline. Affected: yes.
Comment: Not observed at significant frequency in large population cohorts (gnomAD); In silico analysis indicates that this missense variant does not alter protein structure/function; Has been observed in a cohort of patients with rare diseases undergoing next generation sequencing; however no patient specific details were specified in this report (PMID: 31937788); This variant is associated with the following publications: (PMID: 31937788)

Fulgent Genetics
Classification: Uncertain significance for Xeroderma pigmentosum, group F; XFE progeroid syndrome; Fanconi anemia complementation group Q. Last evaluated: 2021-11-23. Review status: criteria provided, single submitter. Criteria: ACMG Guidelines, 2015. Collection method: clinical testing. Allele origin: unknown.